The following is an entry in ClinVar:

NM_000235.4(LIPA):c.815T>A (p.Leu272Ter)

Gene: LIPA (lipase A, lysosomal acid type; minus strand). Cytogenetic location: 10q23.31.
Variant type: single nucleotide variant.
Coding change: c.815T>A on transcript NM_000235.4 (MANE Select); coding-DNA position 815, T replaced by A.
Protein change: p.Leu272Ter; replaces leucine 272 with a stop codon.
Molecular consequence: nonsense.
Genome position (GRCh38, 1-based): chr10:89,223,691, A>T on the plus strand (T>A on the coding strand, the complement: LIPA is on the minus strand). VCF-style: chr10-89223691-A-T. GRCh37 (hg19) VCF-style: chr10-90983448-A-T.
Other names: c.815T>A, p.Leu272Ter (NM_001127605.3); c.467T>A, p.Leu156Ter (NM_001288979.2); short protein forms L156*, L272*.
Identifiers: ClinVar variation 983950 (VCV000983950.4), dbSNP rs1842729511, ClinGen allele CA377516828.

ClinVar aggregate classification (germline): Likely pathogenic (1 of 4 stars; one submission).

Conditions:
Lysosomal acid lipase deficiency. Also called: Acid cholesteryl ester hydrolase deficiency, type 2. Identifiers: Orphanet 275761, MedGen C5574740, MONDO:0800449, MONDO:0010204.

Submission:

Myriad Genetics, Inc.
Classification: Likely pathogenic for Cholesteryl ester storage disease. Last evaluated: 2019-02-25. Review status: criteria provided, single submitter. Criteria: Myriad Women's Health Autosomal Recessive and X-Linked Classification Criteria (2019). Collection method: clinical testing. Allele origin: unknown.
Comment: NM_000235.2(LIPA):c.815T>A(L272*) is expected to be pathogenic in the context of lysosomal acid lipase deficiency. This variant is predicted to lead to an abnormal or absent protein product due to the creation of a premature termination codon in LIPA, a gene where loss-of-function variants are known to be pathogenic. Please note: this variant was assessed in the context of healthy population screening.